The following is an entry in ClinVar:

ClinVar aggregate classification (germline): Uncertain significance (1 of 4 stars; one submission).

Conditions:
Cornelia de Lange syndrome 1 (CDLS1). Also called: Brachmann de Lange syndrome; TYPUS DEGENERATIVUS AMSTELODAMENSIS; NIPBL-Related Cornelia de Lange Syndrome. Identifiers: Orphanet 199, MedGen C4551851, MONDO:0007387, OMIM 122470.

Submission:

Labcorp Genetics (formerly Invitae), Labcorp
Classification: Uncertain significance for Cornelia de Lange syndrome 1. Last evaluated: 2021-07-15. Review status: criteria provided, single submitter. Criteria: Invitae Variant Classification Sherloc (09022015). Collection method: clinical testing. Allele origin: germline.
Comment: In summary, the available evidence is currently insufficient to determine the role of this variant in disease. Therefore, it has been classified as a Variant of Uncertain Significance. Advanced modeling of protein sequence and biophysical properties (such as structural, functional, and spatial information, amino acid conservation, physicochemical variation, residue mobility, and thermodynamic stability) performed at Invitae indicates that this missense variant is expected to disrupt NIPBL protein function. This variant has not been reported in the literature in individuals affected with NIPBL-related conditions. This variant is not present in population databases (ExAC no frequency). This sequence change replaces serine with proline at codon 2458 of the NIPBL protein (p.Ser2458Pro). The serine residue is highly conserved and there is a moderate physicochemical difference between serine and proline.

NM_133433.4(NIPBL):c.7372T>C (p.Ser2458Pro)

Gene: NIPBL (NIPBL cohesin loading factor; plus strand). Cytogenetic location: 5p13.2.
Variant type: single nucleotide variant.
Coding change: c.7372T>C on transcript NM_133433.4 (MANE Select); coding-DNA position 7372, T replaced by C.
Protein change: p.Ser2458Pro; replaces serine 2458 with proline.
Molecular consequence: missense variant.
Genome position (GRCh38, 1-based): chr5:37,057,294, T>C. VCF-style: chr5-37057294-T-C. GRCh37 (hg19) VCF-style: chr5-37057396-T-C.
Other names: c.7372T>C, p.Ser2458Pro (NM_015384.5); short protein forms S2458P.
Identifiers: ClinVar variation 1490740 (VCV001490740.8), dbSNP rs2149750216, ClinGen allele CA359514505.